The following is an entry in ClinVar:

ClinVar aggregate classification (germline): Likely pathogenic. Review status: criteria provided, multiple submitters, no conflicts (2 of 4 stars). 4 submissions from 4 submitters: Likely pathogenic (4). Last evaluated 2026-01-20.

Conditions:
Cerebrooculofacioskeletal syndrome 2 (COFS2). Identifiers: MedGen C1853102, MONDO:0012553, OMIM 610756.
ERCC2-related disorder. Also called: ERCC2-related condition; ERCC2-related disorders; ERCC2-related conditions. Identifiers: MedGen CN239291.
Xeroderma pigmentosum, group D (XPD). Also called: ERCC2-Related Xeroderma Pigmentosum; XERODERMA PIGMENTOSUM IV; XP, GROUP D; XP, GROUP H; XERODERMA PIGMENTOSUM, COMPLEMENTATION GROUP D. Identifiers: MedGen C0268138, MONDO:0010212, OMIM 278730.
Trichothiodystrophy 1, photosensitive (TTD1). Also called: TAY SYNDROME; TRICHOTHIODYSTROPHY WITH CONGENITAL ICHTHYOSIS; PIBIDS SYNDROME. Identifiers: Orphanet 33364, MedGen C1866504, MONDO:0011125, OMIM 601675.

Allele frequency attached by ClinVar (database versions not stated): TOPMed below 0.00001; ExAC 0.00001; gnomAD 0.00001; gnomAD exomes 0.00001.
gnomAD v4.1: 9 of 1,613,974 alleles (0.00056%); highest among the groups gnomAD compares: Non-Finnish European, 0.00076%; no homozygotes.

Submissions (4):

Myriad Genetics, Inc.
Classification: Likely pathogenic for ERCC2-related disorder. Last evaluated: 2026-01-20. Review status: criteria provided, single submitter. Criteria: Myriad Autosomal Dominant, Autosomal Recessive and X-Linked Classification Criteria (2023). Collection method: clinical testing. Allele origin: unknown.
Comment: NM_000400.3(ERCC2):c.1308-2A>G is a variant in a canonical splice site classified as likely pathogenic in the context of ERCC2-related disorders. c.1308-2A>G has not been observed in cases with relevant disease. Relevant functional assessments of this variant are not available in the literature. c.1308-2A>G has been observed in referenced population frequency databases. In summary, NM_000400.3(ERCC2):c.1308-2A>G is a variant in a canonical splice site in a gene where loss of function is a known mechanism of disease and is predicted to disrupt protein function. Please note: this variant was assessed in the context of healthy population screening.

Labcorp Genetics (formerly Invitae), Labcorp
Classification: Likely pathogenic. Last evaluated: 2025-10-21. Review status: criteria provided, single submitter. Criteria: Invitae Variant Classification Sherloc (09022015). Collection method: clinical testing. Allele origin: germline.
Comment: This sequence change affects an acceptor splice site in intron 13 of the ERCC2 gene. It is expected to disrupt RNA splicing. Variants that disrupt the donor or acceptor splice site typically lead to a loss of protein function (PMID: 16199547), and loss-of-function variants in ERCC2 are known to be pathogenic (PMID: 9238033, 11335038, 19085937, 19934020). This variant is present in population databases (rs766369300, gnomAD 0.003%). This variant has not been reported in the literature in individuals affected with ERCC2-related conditions. ClinVar contains an entry for this variant (Variation ID: 1517863). Algorithms developed to predict the effect of sequence changes on RNA splicing suggest that this variant may disrupt the consensus splice site. In summary, the currently available evidence indicates that the variant is pathogenic, but additional data are needed to prove that conclusively. Therefore, this variant has been classified as Likely Pathogenic.

Fulgent Genetics
Classification: Likely pathogenic for Xeroderma pigmentosum, group D; Trichothiodystrophy 1, photosensitive; Cerebrooculofacioskeletal syndrome 2. Last evaluated: 2024-06-20. Review status: criteria provided, single submitter. Criteria: ACMG Guidelines, 2015. Collection method: clinical testing. Allele origin: germline.

Baylor Genetics
Classification: Likely pathogenic for Cerebrooculofacioskeletal syndrome 2. Last evaluated: 2024-01-16. Review status: criteria provided, single submitter. Criteria: ACMG Guidelines, 2015. Collection method: clinical testing. Allele origin: unknown.

Literature cited by the submitters: PubMed 16199547 (cited by Labcorp Genetics (formerly Invitae), Labcorp); PubMed 9238033 (cited by Labcorp Genetics (formerly Invitae), Labcorp); PubMed 11335038 (cited by Labcorp Genetics (formerly Invitae), Labcorp); PubMed 19085937 (cited by Labcorp Genetics (formerly Invitae), Labcorp); PubMed 19934020 (cited by Labcorp Genetics (formerly Invitae), Labcorp).

NM_000400.4(ERCC2):c.1308-2A>G

Gene: ERCC2 (ERCC excision repair 2, TFIIH core complex helicase subunit; minus strand). Cytogenetic location: 19q13.32.
Variant type: single nucleotide variant.
Coding change: c.1308-2A>G on transcript NM_000400.4 (MANE Select); the canonical splice acceptor site of the intron before coding-DNA position 1308, A replaced by G.
Molecular consequence: splice acceptor variant.
Genome position (GRCh38, 1-based): chr19:45,357,545, T>C on the plus strand (A>G on the coding strand, the complement: ERCC2 is on the minus strand). VCF-style: chr19-45357545-T-C. GRCh37 (hg19) VCF-style: chr19-45860803-T-C.
Identifiers: ClinVar variation 1517863 (VCV001517863.10), dbSNP rs766369300, ClinGen allele CA9513353.